The following is an entry in ClinVar:

NM_000038.6(APC):c.6566A>T (p.Lys2189Ile)

Gene: APC (APC regulator of Wnt signaling pathway; plus strand). Cytogenetic location: 5q22.2.
Variant type: single nucleotide variant.
Coding change: c.6566A>T on transcript NM_000038.6 (MANE Select); coding-DNA position 6566, A replaced by T.
Protein change: p.Lys2189Ile; replaces lysine 2189 with isoleucine.
Molecular consequence: missense variant. On other transcripts: non-coding transcript variant (2).
Genome position (GRCh38, 1-based): chr5:112,842,160, A>T. VCF-style: chr5-112842160-A-T. GRCh37 (hg19) VCF-style: chr5-112177857-A-T.
Other names: c.6179A>T, p.Lys2060Ile (NM_001407469.1, NM_001407467.1); c.5717A>T, p.Lys1906Ile (NM_001407470.1, NM_001354906.2); c.5414A>T, p.Lys1805Ile (NM_001407471.1, NM_001407472.1); c.6566A>T, p.Lys2189Ile (NM_001127510.3, NM_001407450.1, NM_001354895.2); c.6512A>T, p.Lys2171Ile (NM_001127511.3); c.6086A>T, p.Lys2029Ile (NM_001354905.2); c.6650A>T, p.Lys2217Ile (NM_001407446.1); c.6620A>T, p.Lys2207Ile (NM_001407447.1, NM_001407448.1, NM_001407449.1 and 1 more transcripts); and 11 more; short protein forms K2088I, K2179I, K2060I, K2106I, K2164I, K2189I, K2199I, K2217I.
Identifiers: ClinVar variation 2725389 (VCV002725389.3), dbSNP rs986763235, ClinGen allele CA16035697.

ClinVar aggregate classification (germline): Uncertain significance (1 of 4 stars; one submission).

Conditions:
Familial adenomatous polyposis 1 (FAP1). Also called: FAMILIAL ADENOMATOUS POLYPOSIS 1, ATTENUATED; POLYPOSIS, ADENOMATOUS INTESTINAL. Identifiers: MedGen C2713442, MONDO:0021056, OMIM 175100. Disease mechanism: loss of function.

Submission:

Labcorp Genetics (formerly Invitae), Labcorp
Classification: Uncertain significance for Familial adenomatous polyposis 1. Last evaluated: 2023-06-23. Review status: criteria provided, single submitter. Criteria: Invitae Variant Classification Sherloc (09022015). Collection method: clinical testing. Allele origin: germline.
Comment: Advanced modeling of protein sequence and biophysical properties (such as structural, functional, and spatial information, amino acid conservation, physicochemical variation, residue mobility, and thermodynamic stability) performed at Invitae indicates that this missense variant is not expected to disrupt APC protein function. This variant has not been reported in the literature in individuals affected with APC-related conditions. This variant is not present in population databases (gnomAD no frequency). This sequence change replaces lysine, which is basic and polar, with isoleucine, which is neutral and non-polar, at codon 2189 of the APC protein (p.Lys2189Ile). In summary, the available evidence is currently insufficient to determine the role of this variant in disease. Therefore, it has been classified as a Variant of Uncertain Significance.